The following is an entry in ClinVar:

NM_001365276.2(TNXB):c.949C>T (p.Gln317Ter)

Gene: TNXB (tenascin XB; minus strand). Cytogenetic location: 6p21.33.
Variant type: single nucleotide variant.
Coding change: c.949C>T on transcript NM_001365276.2 (MANE Select); coding-DNA position 949, C replaced by T.
Protein change: p.Gln317Ter; replaces glutamine 317 with a stop codon.
Molecular consequence: nonsense.
Genome position (GRCh38, 1-based): chr6:32,096,904, G>A on the plus strand (C>T on the coding strand, the complement: TNXB is on the minus strand). VCF-style: chr6-32096904-G-A. GRCh37 (hg19) VCF-style: chr6-32064681-G-A.
Other names: c.949C>T, p.Gln317Ter (NM_001428335.1, NM_019105.8); short protein forms Q317*.
Identifiers: ClinVar variation 5014151 (VCV005014151.1).

ClinVar aggregate classification (germline): Pathogenic (1 of 4 stars; one submission).

Conditions:
Ehlers-Danlos syndrome due to tenascin-X deficiency (EDSCLL1). Also called: Ehlers-Danlos syndrome, classic-like, 1; EHLERS-DANLOS SYNDROME, CLASSIC-LIKE; TNXB-Related Classical-Like Ehlers-Danlos Syndrome; EDS DUE TO TNX DEFICIENCY; TNX DEFICIENCY. Identifiers: Orphanet 230839, MedGen C1848029, MONDO:0011670, OMIM 606408.

Submission:

Myriad Genetics, Inc.
Classification: Pathogenic for Ehlers-Danlos syndrome due to tenascin-X deficiency. Last evaluated: 2025-03-01. Review status: criteria provided, single submitter. Criteria: Myriad Autosomal Dominant, Autosomal Recessive and X-Linked Classification Criteria (2023). Collection method: clinical testing. Allele origin: unknown.
Comment: NM_019105.6(TNXB):c.949C>T(Q317*) is expected to be pathogenic in the context of classical-like Ehlers-Danlos syndrome, TNXB-related. This variant is predicted to lead to an abnormal or absent protein product due to the creation of a premature termination codon in TNXB, a gene where loss-of-function variants are known to be pathogenic. Please note: this variant was assessed in the context of healthy population screening.